The following is an entry in ClinVar:

ClinVar aggregate classification (germline): Likely benign (0 of 4 stars; one submission).

Conditions:
KCTD1-related disorder. Also called: KCTD1-related condition.

Submission:

PreventionGenetics, part of Exact Sciences
Classification: Likely benign for KCTD1-related condition. Last evaluated: 2021-10-28. Review status: no assertion criteria provided. Collection method: clinical testing. Allele origin: germline.
Comment: This variant is classified as likely benign based on ACMG/AMP sequence variant interpretation guidelines (Richards et al. 2015 PMID: 25741868, with internal and published modifications).

NM_001142730.3(KCTD1):c.54C>T (p.Ala18=)

Gene: KCTD1 (potassium channel tetramerization domain containing 1; minus strand). Cytogenetic location: 18q11.2.
Variant type: single nucleotide variant.
Coding change: c.54C>T on transcript NM_001142730.3 (MANE Select); coding-DNA position 54, C replaced by T.
Protein change: p.Ala18=; no amino-acid change (alanine 18 retained).
Molecular consequence: synonymous variant. On other transcripts: intron variant (5).
Genome position (GRCh38, 1-based): chr18:26,548,483, G>A on the plus strand (C>T on the coding strand, the complement: KCTD1 is on the minus strand). VCF-style: chr18-26548483-G-A. GRCh37 (hg19) VCF-style: chr18-24128447-G-A.
Other names: c.10-47233C>T (NM_001258222.3); c.-15-47233C>T (NM_198991.4); c.-16+1246C>T (NM_001258221.2); c.-16+761C>T (NM_001351443.1); c.-16+408C>T (NM_001136205.2).
Identifiers: ClinVar variation 3041725 (VCV003041725.2), dbSNP rs2511006045, ClinGen allele CA2576476787.